The following is an entry in ClinVar:

NM_000051.4(ATM):c.8010G>C (p.Lys2670Asn)

Genes: ATM (ATM serine/threonine kinase; plus strand), C11orf65 (chromosome 11 open reading frame 65; minus strand). Cytogenetic location: 11q22.3.
Variant type: single nucleotide variant.
Coding change: c.8010G>C on transcript NM_000051.4 (MANE Select); coding-DNA position 8010, G replaced by C.
Protein change: p.Lys2670Asn; replaces lysine 2670 with asparagine.
Molecular consequence: missense variant. On other transcripts: intron variant (2).
Genome position (GRCh38, 1-based): chr11:108,333,968, G>C. VCF-style: chr11-108333968-G-C. GRCh37 (hg19) VCF-style: chr11-108204695-G-C.
Other names: c.8010G>C, p.Lys2670Asn (NM_001351834.2); c.641-24897C>G (NM_001330368.2); c.*38+1252C>G (NM_001351110.2); short protein forms K2670N.
Identifiers: ClinVar variation 1761651 (VCV001761651.2), dbSNP rs1013244700, ClinGen allele CA382561819.

ClinVar aggregate classification (germline): Likely pathogenic (1 of 4 stars; one submission).

Conditions:
Hereditary cancer-predisposing syndrome. Also called: Hereditary neoplastic syndrome; Neoplastic Syndromes, Hereditary; Tumor predisposition; Hereditary Cancer Syndrome. Identifiers: Orphanet 140162, MedGen C0027672, MeSH D009386, MONDO:0015356.

Submission:

Ambry Genetics
Classification: Likely pathogenic for Hereditary cancer-predisposing syndrome. Last evaluated: 2022-04-15. Review status: criteria provided, single submitter. Criteria: Ambry Variant Classification Scheme 2023. Collection method: clinical testing. Allele origin: germline.
Comment: The p.K2670N variant (also known as c.8010G>C), located in coding exon 53 of the ATM gene, results from a G to C substitution at nucleotide position 8010. The amino acid change results in lysine to asparagine at codon 2670, an amino acid with similar properties. However, this change occurs in the last base pair of coding exon 53, which makes it likely to have some effect on normal mRNA splicing. Another alteration impacting the same donor site (c.8010G>A) has been shown to result in abnormal splicing in the set of samples tested (Ambry internal data). This nucleotide position is highly conserved in available vertebrate species. This amino acid position is highly conserved in available vertebrate species. In silico splice site analysis predicts that this alteration will weaken the native splice donor site; however, direct evidence is insufficient at this time (Ambry internal data). In addition, as a missense substitution this alteration is predicted to be tolerated by in silico analysis. This variant is considered to be rare based on population cohorts in the Genome Aggregation Database (gnomAD). Based on the majority of available evidence to date, this variant is likely to be pathogenic.